The following is an entry in ClinVar:

NM_012156.2(EPB41L1):c.1201G>A (p.Ala401Thr)

Gene: EPB41L1 (erythrocyte membrane protein band 4.1 like 1; plus strand). Cytogenetic location: 20q11.23.
Variant type: single nucleotide variant.
Coding change: c.1201G>A on transcript NM_012156.2 (MANE Select); coding-DNA position 1201, G replaced by A.
Protein change: p.Ala401Thr; replaces alanine 401 with threonine.
Molecular consequence: missense variant.
Genome position (GRCh38, 1-based): chr20:36,190,698, G>A. VCF-style: chr20-36190698-G-A. GRCh37 (hg19) VCF-style: chr20-34778620-G-A.
Other names: c.1015G>A, p.Ala339Thr (NM_001424377.1, NM_001424378.1, NM_001424379.1 and 19 more transcripts); c.1201G>A, p.Ala401Thr (NM_001424382.1, NM_001424383.1, NM_001424384.1 and 13 more transcripts); c.1108G>A, p.Ala370Thr (NM_001258330.1); short protein forms A339T, A370T, A401T.
Identifiers: ClinVar variation 2652292 (VCV002652292.24), dbSNP rs2516117024, ClinGen allele CA408924645.
Genomic context (GRCh38, chr20:36,190,698, plus strand): 5'-CCCCCACCCAAGGGCTTCCTGGTGATGGGCTCCAAGTTCCGGTACAGTGGGAGGACCCAG[G>A]CACAGACTCGCCAGGCCAGCGCCCTCATTGACCGGCCTGCACCCTTCTTTGAGCGTTCTT-3'
Protein context (NP_036288.2, residues 391-411): SKFRYSGRTQ[Ala401Thr]QTRQASALID

ClinVar aggregate classification (germline): Uncertain significance (1 of 4 stars; one submission).

Allele frequency attached by ClinVar (database versions not stated): gnomAD exomes below 0.00001.
gnomAD v4.1: 2 of 1,614,148 alleles (0.00012%); highest among the groups gnomAD compares: Non-Finnish European, 0.00017%; no homozygotes.

Submission:

CeGaT Center for Human Genetics Tuebingen
Classification: Uncertain significance. Last evaluated: 2023-05-01. Review status: criteria provided, single submitter. Criteria: CeGaT Center For Human Genetics Tuebingen Variant Classification Criteria Version 2. Collection method: clinical testing. Allele origin: germline. Affected: yes. Observed: 1 variant allele.
Comment: EPB41L1: PM2, PP3